The following is an entry in ClinVar:

ClinVar aggregate classification (germline): Uncertain significance (1 of 4 stars; one submission).

Conditions:
Gorlin syndrome. Also called: Nevoid Basal Cell Carcinoma Syndrome; Basal cell nevus syndrome. Identifiers: Orphanet 377, MedGen C0004779, MONDO:0007187.

Submission:

Labcorp Genetics (formerly Invitae), Labcorp
Classification: Uncertain significance for Gorlin syndrome. Last evaluated: 2022-11-01. Review status: criteria provided, single submitter. Criteria: Invitae Variant Classification Sherloc (09022015). Collection method: clinical testing. Allele origin: germline.
Comment: In summary, the available evidence is currently insufficient to determine the role of this variant in disease. Therefore, it has been classified as a Variant of Uncertain Significance. Advanced modeling of protein sequence and biophysical properties (such as structural, functional, and spatial information, amino acid conservation, physicochemical variation, residue mobility, and thermodynamic stability) performed at Invitae indicates that this missense variant is not expected to disrupt PTCH1 protein function. ClinVar contains an entry for this variant (Variation ID: 1045519). This variant has not been reported in the literature in individuals affected with PTCH1-related conditions. This variant is not present in population databases (gnomAD no frequency). This sequence change replaces arginine, which is basic and polar, with lysine, which is basic and polar, at codon 530 of the PTCH1 protein (p.Arg530Lys).

NM_000264.5(PTCH1):c.1589G>A (p.Arg530Lys)

Gene: PTCH1 (patched 1; minus strand). Cytogenetic location: 9q22.32.
Variant type: single nucleotide variant.
Coding change: c.1589G>A on transcript NM_000264.5 (MANE Select); coding-DNA position 1589, G replaced by A.
Protein change: p.Arg530Lys; replaces arginine 530 with lysine.
Molecular consequence: missense variant. On other transcripts: non-coding transcript variant (1).
Genome position (GRCh38, 1-based): chr9:95,476,772, C>T on the plus strand (G>A on the coding strand, the complement: PTCH1 is on the minus strand). VCF-style: chr9-95476772-C-T. GRCh37 (hg19) VCF-style: chr9-98239054-C-T.
Other names: c.1391G>A, p.Arg464Lys (NM_001083602.3); c.1586G>A, p.Arg529Lys (NM_001083603.3); c.1136G>A, p.Arg379Lys (NM_001083604.3, NM_001083605.3, NM_001083606.3 and 1 more transcripts); c.1433G>A, p.Arg478Lys (NM_001354918.2); short protein forms R379K, R478K, R529K, R464K, R530K.
Identifiers: ClinVar variation 1045519 (VCV001045519.7), dbSNP rs1841073027, ClinGen allele CA374118174.